The following is an entry in ClinVar:

ClinVar aggregate classification (germline): Uncertain significance (1 of 4 stars; one submission).

Conditions:
Von Hippel-Lindau syndrome (VHLS). Also called: Von Hippel-Lindau; von Hippel–Lindau syndrome; VHL syndrome. Identifiers: Orphanet 892, MedGen C0019562, MONDO:0008667, OMIM 193300. Disease mechanism: loss of function.
Chuvash polycythemia. Also called: POLYCYTHEMIA, VHL-DEPENDENT. Identifiers: Orphanet 238557, MedGen C1837915, MONDO:0009892, OMIM 263400.

Submission:

Labcorp Genetics (formerly Invitae), Labcorp
Classification: Uncertain significance for Von Hippel-Lindau syndrome; Chuvash polycythemia. Last evaluated: 2024-11-18. Review status: criteria provided, single submitter. Criteria: Invitae Variant Classification Sherloc (09022015). Collection method: clinical testing. Allele origin: germline.
Comment: This sequence change falls in intron 1 of the VHL gene. It is not expected to change the encoded amino acid sequence of the VHL protein. However, this sequence change falls within a cryptic exon in the VHL gene, known as exon E1’, which is naturally expressed at low levels in several human tissues (PMID: 29891534). This variant is not present in population databases (gnomAD no frequency). This variant has not been reported in the literature in individuals affected with VHL-related conditions. ClinVar contains an entry for this variant (Variation ID: 1477620). Algorithms developed to predict the effect of sequence changes on RNA splicing suggest that this variant is not likely to affect RNA splicing. In summary, the available evidence is currently insufficient to determine the role of this variant in disease. Therefore, it has been classified as a Variant of Uncertain Significance.

Literature cited by the submitters: PubMed 29891534.

NM_000551.4(VHL):c.340+605G>A

Genes: VHL (von Hippel-Lindau tumor suppressor; plus strand), LOC107303340 (3p25 von Hippel-Lindau tumor suppressor, E3 ubiquitin protein ligase Alu-mediated recombination region; plus strand). Cytogenetic location: 3p25.3.
Variant type: single nucleotide variant.
Coding change: c.340+605G>A on transcript NM_000551.4 (MANE Select); 605 bases into the intron after coding-DNA position 340, G replaced by A.
Molecular consequence: intron variant. On other transcripts: missense variant (1).
Genome position (GRCh38, 1-based): chr3:10,142,792, G>A. VCF-style: chr3-10142792-G-A. GRCh37 (hg19) VCF-style: chr3-10184476-G-A.
Other names: c.370G>A, p.Val124Ile (NM_001354723.2); c.340+605G>A (NM_198156.3); short protein forms V124I.
Identifiers: ClinVar variation 1477620 (VCV001477620.8), dbSNP rs1696158642, ClinGen allele CA2573136094.
Genomic context (GRCh38, chr3:10,142,792, plus strand): 5'-AAGCTGCATCCTTAACACCCCATCTGTTCAGTCCTCATGACTCCAGTGGGCCAGTTCTGC[G>A]TAGTCCCTGCCCTCGTGGAGAACACATTCCTCCTGGGGAGACTGACAGATGCAAAGACAG-3'